The following is an entry in ClinVar:

NM_004881.5(TP53I3):c.817-8T>C

Genes: FAM228B (family with sequence similarity 228 member B; plus strand), TP53I3 (tumor protein p53 inducible protein 3; minus strand). Cytogenetic location: 2p23.3.
Variant type: single nucleotide variant.
Coding change: c.817-8T>C on transcript NM_004881.5 (MANE Select); 8 bases into the intron before coding-DNA position 817, T replaced by C.
Molecular consequence: intron variant.
Genome position (GRCh38, 1-based): chr2:24,077,769, A>G on the plus strand (T>C on the coding strand, the complement: TP53I3 is on the minus strand). VCF-style: chr2-24077769-A-G. GRCh37 (hg19) VCF-style: chr2-24300639-A-G.
Other names: c.620-8T>C (NM_001206802.2); c.-290+800A>G (NM_001291328.2); c.817-8T>C (NM_147184.4).
Identifiers: ClinVar variation 2629628 (VCV002629628.3), dbSNP rs200330465, ClinGen allele CA1549527.

ClinVar aggregate classification (germline): Likely benign (0 of 4 stars; one submission).

Conditions:
TP53I3-related disorder. Also called: TP53I3-related condition.

Allele frequency attached by ClinVar (database versions not stated): gnomAD exomes 0.00032; gnomAD 0.00023; TOPMed 0.00027; ExAC 0.00027; ESP Exome Variant Server 0.00023.
gnomAD v4.1: 495 of 1,609,406 alleles (0.031%); highest among the groups gnomAD compares: Non-Finnish European, 0.038%; no homozygotes.

Submission:

PreventionGenetics, part of Exact Sciences
Classification: Likely benign for TP53I3-related condition. Last evaluated: 2024-09-04. Review status: no assertion criteria provided. Collection method: clinical testing. Allele origin: germline.
Comment: This variant is classified as likely benign based on ACMG/AMP sequence variant interpretation guidelines (Richards et al. 2015 PMID: 25741868, with internal and published modifications).